The following is an entry in ClinVar:

NM_004380.3(CREBBP):c.5879G>A (p.Arg1960Gln)

Gene: CREBBP (CREB binding protein; minus strand). Cytogenetic location: 16p13.3.
Variant type: single nucleotide variant.
Coding change: c.5879G>A on transcript NM_004380.3 (MANE Select); coding-DNA position 5879, G replaced by A.
Protein change: p.Arg1960Gln; replaces arginine 1960 with glutamine.
Molecular consequence: missense variant.
Genome position (GRCh38, 1-based): chr16:3,729,168, C>T on the plus strand (G>A on the coding strand, the complement: CREBBP is on the minus strand). VCF-style: chr16-3729168-C-T. GRCh37 (hg19) VCF-style: chr16-3779169-C-T.
Other names: c.5765G>A, p.Arg1922Gln (NM_001079846.1); short protein forms R1922Q, R1960Q.
Identifiers: ClinVar variation 1750235 (VCV001750235.2), dbSNP rs759839179, ClinGen allele CA7869233.

ClinVar aggregate classification (germline): Uncertain significance (1 of 4 stars; one submission).

Conditions:
Inborn genetic diseases. Identifiers: MedGen C0950123, MeSH D030342.

gnomAD v4.1: 7 of 1,535,796 alleles (0.00046%); highest among the groups gnomAD compares: African/African-American, 0.0014%; no homozygotes.

Submission:

Ambry Genetics
Classification: Uncertain significance for Inborn genetic diseases. Last evaluated: 2020-02-10. Review status: criteria provided, single submitter. Criteria: Ambry Variant Classification Scheme 2023. Collection method: clinical testing. Allele origin: germline.
Comment: The p.R1960Q variant (also known as c.5879G>A), located in coding exon 31 of the CREBBP gene, results from a G to A substitution at nucleotide position 5879. The arginine at codon 1960 is replaced by glutamine, an amino acid with highly similar properties. This amino acid position is well conserved in available vertebrate species. In addition, the in silico prediction for this alteration is inconclusive. Since supporting evidence is limited at this time, the clinical significance of this alteration remains unclear.